The following is an entry in ClinVar:

NM_020457.3(THAP11):c.448G>C (p.Val150Leu)

Genes: CENPT (centromere protein T; minus strand), THAP11 (THAP domain containing 11; plus strand). Cytogenetic location: 16q22.1.
Variant type: single nucleotide variant.
Coding change: c.448G>C on transcript NM_020457.3 (MANE Select); coding-DNA position 448, G replaced by C.
Protein change: p.Val150Leu; replaces valine 150 with leucine.
Molecular consequence: missense variant. On other transcripts: intron variant (1).
Genome position (GRCh38, 1-based): chr16:67,843,002, G>C. VCF-style: chr16-67843002-G-C. GRCh37 (hg19) VCF-style: chr16-67876905-G-C.
Other names: c.-492+4399C>G (NM_025082.4); short protein forms V150L.
Identifiers: ClinVar variation 1911529 (VCV001911529.5), dbSNP rs1239114881, ClinGen allele CA396397247.
Genomic context (GRCh38, chr16:67,843,002, plus strand): 5'-CAGCAGCAGTCCTCACCCTCTGCCTCCACTGCCCAGACTGCCCAGCTGCAGCCGAACCTG[G>C]TATCTGCTTCCGCGGCCGTGCTTCTCACCCTTCAGGCCACTGTAGACAGCAGTCAGGCTC-3'
Protein context (NP_065190.2, residues 140-160): AQTAQLQPNL[Val150Leu]SASAAVLLTL

ClinVar aggregate classification (germline): Uncertain significance (1 of 4 stars; one submission).

Allele frequency attached by ClinVar (database versions not stated): gnomAD 0.00005; TOPMed 0.00006.
gnomAD v4.1: 10 of 1,612,500 alleles (0.00062%); highest among the groups gnomAD compares: Admixed American, 0.017%; no homozygotes.

Submission:

Labcorp Genetics (formerly Invitae), Labcorp
Classification: Uncertain significance. Last evaluated: 2023-10-13. Review status: criteria provided, single submitter. Criteria: Invitae Variant Classification Sherloc (09022015). Collection method: clinical testing. Allele origin: germline.
Comment: This sequence change replaces valine, which is neutral and non-polar, with leucine, which is neutral and non-polar, at codon 150 of the THAP11 protein (p.Val150Leu). This variant is present in population databases (no rsID available, gnomAD 0.006%). This variant has not been reported in the literature in individuals affected with THAP11-related conditions. ClinVar contains an entry for this variant (Variation ID: 1911529). Advanced modeling of protein sequence and biophysical properties (such as structural, functional, and spatial information, amino acid conservation, physicochemical variation, residue mobility, and thermodynamic stability) performed at Invitae indicates that this missense variant is not expected to disrupt THAP11 protein function. In summary, the available evidence is currently insufficient to determine the role of this variant in disease. Therefore, it has been classified as a Variant of Uncertain Significance.